The following is an entry in ClinVar:

ClinVar aggregate classification (germline): Uncertain significance (1 of 4 stars; one submission).

Conditions:
Loeys-Dietz syndrome (LDS). Identifiers: Orphanet 60030, MedGen C2697932, MONDO:0018954.

Submission:

All of Us Research Program, National Institutes of Health
Classification: Uncertain significance for Loeys-Dietz syndrome. Last evaluated: 2023-05-16. Review status: criteria provided, single submitter. Criteria: ACMG Guidelines, 2015. Collection method: clinical testing. Allele origin: germline. Inheritance: Autosomal dominant inheritance. Observed: 1 variant allele, 1 heterozygote.
Comment: This missense variant replaces threonine with proline at codon 298 of the TGFBR1 protein. Computational prediction is inconclusive regarding the impact of this variant on protein structure and function (internally defined REVEL score threshold 0.5 < inconclusive < 0.7, PMID: 27666373). To our knowledge, functional studies have not been reported for this variant. This variant has not been reported in individuals affected with TGFBR1-related disorders in the literature. This variant has not been identified in the general population by the Genome Aggregation Database (gnomAD). The available evidence is insufficient to determine the role of this variant in disease conclusively. Therefore, this variant is classified as a Variant of Uncertain Significance.

This study involves interpretation of variants in research participants for the purpose of population health screening. Participant phenotype was not available at the time of variant classification. Additional details can be found in publication PMID: 35346344, PMCID: PMC8962531

NM_004612.4(TGFBR1):c.892A>C (p.Thr298Pro)

Gene: TGFBR1 (transforming growth factor beta receptor 1; plus strand). Cytogenetic location: 9q22.33.
Variant type: single nucleotide variant.
Coding change: c.892A>C on transcript NM_004612.4 (MANE Select); coding-DNA position 892, A replaced by C.
Protein change: p.Thr298Pro; replaces threonine 298 with proline.
Molecular consequence: missense variant. On other transcripts: non-coding transcript variant (4), intron variant (2).
Genome position (GRCh38, 1-based): chr9:99,142,622, A>C. VCF-style: chr9-99142622-A-C. GRCh37 (hg19) VCF-style: chr9-101904904-A-C.
Other names: c.661A>C, p.Thr221Pro (NM_001130916.3, NM_001407435.1); c.904A>C, p.Thr302Pro (NM_001306210.2); c.697A>C, p.Thr233Pro (NM_001407418.1, NM_001407419.1, NM_001407420.1 and 1 more transcripts); c.685A>C, p.Thr229Pro (NM_001407423.1, NM_001407424.1, NM_001407425.1 and 8 more transcripts); c.646A>C, p.Thr216Pro (NM_001407436.1); c.184A>C, p.Thr62Pro (NM_001407437.1); c.415A>C, p.Thr139Pro (NM_001407438.1); c.818-2110A>C (NM_001407416.1); and 1 more; short protein forms T139P, T216P, T221P, T229P, T233P, T298P, T302P, T62P.
Identifiers: ClinVar variation 3071065 (VCV003071065.1), dbSNP rs764452904, ClinGen allele CA374230675.
Genomic context (GRCh38, chr9:99,142,622, plus strand): 5'-TTGGTGTCAGATTATCATGAGCATGGATCCCTTTTTGATTACTTAAACAGATACACAGTT[A>C]CTGTGGAAGGAATGATAAAACTTGCTCTGTCCACGGCGAGCGGTCTTGCCCATCTTCACA-3'
Protein context (NP_004603.1, residues 288-308): LFDYLNRYTV[Thr298Pro]VEGMIKLALS